The following is an entry in ClinVar:

ClinVar aggregate classification (germline): Conflicting classifications of pathogenicity. Review status: criteria provided, conflicting classifications (1 of 4 stars). 4 submissions from 4 submitters: Likely pathogenic (1); Uncertain significance (1). 2 of the submissions do not count toward it. Last evaluated 2025-09-17.

Conditions:
Bent bone dysplasia syndrome 2 (BBDS2). Identifiers: MedGen C5774233, MONDO:0859573, OMIM 620076.
Nephrotic syndrome, IIa 26. Also called: Nephrotic syndrome, type 26. Identifiers: MedGen C5774221, MONDO:0031061, OMIM 620049.
Nephrotic syndrome. Identifiers: MedGen C0027726, MONDO:0005377, HP:0000100.

Allele frequency attached by ClinVar (database versions not stated): gnomAD 0.00006 and 0.00007; TOPMed 0.00006; ESP Exome Variant Server 0.00008; gnomAD exomes 0.00012; ExAC 0.00014; 1000 Genomes Project 30x 0.00016; 1000 Genomes Project 0.00020.

Submissions (4):

First Genomix Gene Laboratory, Genetic Diagnostics Department
Classification: Likely pathogenic for Bent bone dysplasia syndrome 2; Nephrotic syndrome, IIa 26. Last evaluated: 2025-09-17. Review status: criteria provided, single submitter. Criteria: ACMG Guidelines, 2015. Collection method: clinical testing. Allele origin: germline. Inheritance: Autosomal recessive inheritance. Affected: no. Observed: 1 variant allele.

Juno Genomics, Hangzhou Juno Genomics, Inc
Classification: Uncertain significance for Bent bone dysplasia syndrome 2; Nephrotic syndrome, IIa 26. Review status: criteria provided, single submitter. Criteria: ACMG Guidelines, 2015. Collection method: clinical testing. Allele origin: germline.
Comment: Absent from controls (or at extremely low frequency if recessive) in Genome Aggregation Database.;For recessive disorders, detected in trans with a pathogenic variant.

OMIM
Classification: Pathogenic for NEPHROTIC SYNDROME, TYPE 26. Last evaluated: 2022-09-28. Review status: no assertion criteria provided. Collection method: literature only. Allele origin: germline. Not counted in ClinVar's aggregate classification.

Yale Center for Mendelian Genomics, Yale University
Classification: Uncertain significance for Nephrotic syndrome. Last evaluated: 2018-03-09. Review status: no assertion criteria provided. Collection method: literature only. Allele origin: germline. Affected: yes. Observed: 1 homozygote. Not counted in ClinVar's aggregate classification.

Literature cited by the submitters: PubMed 29534211 (cited by OMIM and Yale Center for Mendelian Genomics, Yale University).

NM_005560.6(LAMA5):c.2239C>T (p.Arg747Trp)

Gene: LAMA5 (laminin subunit alpha 5; minus strand). Cytogenetic location: 20q13.33.
Variant type: single nucleotide variant.
Coding change: c.2239C>T on transcript NM_005560.6 (MANE Select); coding-DNA position 2239, C replaced by T.
Protein change: p.Arg747Trp; replaces arginine 747 with tryptophan.
Molecular consequence: missense variant.
Genome position (GRCh38, 1-based): chr20:62,336,424, G>A on the plus strand (C>T on the coding strand, the complement: LAMA5 is on the minus strand). VCF-style: chr20-62336424-G-A. GRCh37 (hg19) VCF-style: chr20-60911480-G-A.
Other names: LAMA5, ARG747TRP (rs370940497); short protein forms R747W.
Identifiers: ClinVar variation 684685 (VCV000684685.4), dbSNP rs370940497, ClinGen allele CA9943530.